The following is an entry in ClinVar:

ClinVar aggregate classification (germline): Likely benign. Review status: criteria provided, multiple submitters, no conflicts (2 of 4 stars). 3 submissions from 3 submitters: Likely benign (2). 1 of the submissions does not count toward it. Last evaluated 2024-10-29.

Conditions:
ADGRV1-related disorder. Also called: ADGRV1-related disorders; ADGRV1-related condition.

gnomAD v4.1: 73 of 1,613,642 alleles (0.0045%); highest among the groups gnomAD compares: East Asian, 0.0067%; no homozygotes.

Submissions (3):

Labcorp Genetics (formerly Invitae), Labcorp
Classification: Likely benign. Last evaluated: 2024-10-29. Review status: criteria provided, single submitter. Criteria: Invitae Variant Classification Sherloc (09022015). Collection method: clinical testing. Allele origin: germline.

Blueprint Genetics
Classification: Likely benign. Last evaluated: 2024-04-05. Review status: criteria provided, single submitter. Criteria: ACMG Guidelines, 2015. Collection method: clinical testing. Allele origin: germline.

PreventionGenetics, part of Exact Sciences
Classification: Likely benign for ADGRV1-related condition. Last evaluated: 2019-07-11. Review status: no assertion criteria provided. Collection method: clinical testing. Allele origin: germline. Not counted in ClinVar's aggregate classification.
Comment: This variant is classified as likely benign based on ACMG/AMP sequence variant interpretation guidelines (Richards et al. 2015 PMID: 25741868, with internal and published modifications).

NM_032119.4(ADGRV1):c.8406C>T (p.Ile2802=)

Gene: ADGRV1 (adhesion G protein-coupled receptor V1; plus strand). Cytogenetic location: 5q14.3.
Variant type: single nucleotide variant.
Coding change: c.8406C>T on transcript NM_032119.4 (MANE Select); coding-DNA position 8406, C replaced by T.
Protein change: p.Ile2802=; no amino-acid change (isoleucine 2802 retained).
Molecular consequence: synonymous variant. On other transcripts: non-coding transcript variant (1).
Genome position (GRCh38, 1-based): chr5:90,705,419, C>T. VCF-style: chr5-90705419-C-T. GRCh37 (hg19) VCF-style: chr5-90001236-C-T.
Other names: c.8406C>T (NM_032119.3).
Identifiers: ClinVar variation 2188102 (VCV002188102.6), dbSNP rs760913103, ClinGen allele CA122802941.
Genomic context (GRCh38, chr5:90,705,419, plus strand): 5'-TAATGCCAAATCACTGTTAGATTCCTGCCTGACATTTTTAGGAGTTCCACCAGCCGGAAT[C>T]GCCCTGCTTGATGCTCAAGGATATGCAGCTGTCCTCACAGTAGAAGCCAGTGATGAACCA-3'
Protein context (NP_115495.3, residues 2792-2812): VRTQGVPPAG[Ile2802=]ALLDAQGYAA